The following is an entry in ClinVar:

ClinVar aggregate classification (germline): Uncertain significance (1 of 4 stars; one submission).

Conditions:
Cardiovascular phenotype. Identifiers: MedGen CN230736.
Hereditary cancer-predisposing syndrome. Also called: Tumor predisposition; Neoplastic Syndromes, Hereditary; Hereditary Cancer Syndrome; Hereditary neoplastic syndrome. Identifiers: Orphanet 140162, MedGen C0027672, MeSH D009386, MONDO:0015356.

Submission:

Ambry Genetics
Classification: Uncertain significance for Cardiovascular phenotype; Hereditary cancer-predisposing syndrome. Last evaluated: 2025-01-05. Review status: criteria provided, single submitter. Criteria: Ambry Variant Classification Scheme 2023. Collection method: clinical testing. Allele origin: germline.
Comment: The p.K632R variant (also known as c.1895A>G), located in coding exon 16 of the LZTR1 gene, results from an A to G substitution at nucleotide position 1895. The lysine at codon 632 is replaced by arginine, an amino acid with highly similar properties. This amino acid position is conserved. In addition, this alteration is predicted to be tolerated by in silico analysis. Based on the available evidence, the clinical significance of this variant remains unclear.

NM_006767.4(LZTR1):c.1895A>G (p.Lys632Arg)

Gene: LZTR1 (leucine zipper like post translational regulator 1; plus strand). Cytogenetic location: 22q11.21.
Variant type: single nucleotide variant.
Coding change: c.1895A>G on transcript NM_006767.4 (MANE Select); coding-DNA position 1895, A replaced by G.
Protein change: p.Lys632Arg; replaces lysine 632 with arginine.
Molecular consequence: missense variant.
Genome position (GRCh38, 1-based): chr22:20,994,979, A>G. VCF-style: chr22-20994979-A-G. GRCh37 (hg19) VCF-style: chr22-21349268-A-G.
Other names: short protein forms K632R.
Identifiers: ClinVar variation 3869288 (VCV003869288.1).